The following is an entry in ClinVar:

NM_005859.5(PURA):c.768dup (p.Ile257fs)

Gene: PURA (purine rich element binding protein A; plus strand). Cytogenetic location: 5q31.3.
Variant type: Duplication.
Coding change: c.768dup on transcript NM_005859.5 (MANE Select); coding-DNA position 768, one base duplicated (C; older notation c.768dupC).
Protein change: p.Ile257fs; shifts the reading frame from isoleucine 257.
Molecular consequence: frameshift variant.
Genome position (GRCh38, 1-based): chr5:140,114,949, C duplicated; the last of 2 consecutive C bases (chr5:140,114,948-140,114,949); duplicating either gives the same sequence. VCF-style (leftmost placement, unchanged base first): chr5-140114947-T-TC. GRCh37 (hg19) VCF-style: chr5-139494532-T-TC.
Other names: short protein forms I257fs.
Identifiers: ClinVar variation 4747469 (VCV004747469.1), dbSNP rs793888532.

ClinVar aggregate classification (germline): Pathogenic (1 of 4 stars; one submission).

Conditions:
PURA-related severe neonatal hypotonia-seizures-encephalopathy syndrome (NEDRIHF). Also called: PURA-Related Neurodevelopmental Disorders; NEURODEVELOPMENTAL DISORDER WITH NEONATAL RESPIRATORY INSUFFICIENCY, HYPOTONIA, AND FEEDING DIFFICULTIES. Identifiers: Orphanet 438213, Orphanet 438216, MedGen C4015357, MONDO:1060108, OMIM 616158, MONDO:0018580.

Submission:

Labcorp Genetics (formerly Invitae), Labcorp
Classification: Pathogenic for PURA-related severe neonatal hypotonia-seizures-encephalopathy syndrome. Last evaluated: 2025-04-29. Review status: criteria provided, single submitter. Criteria: Invitae Variant Classification Sherloc (09022015). Collection method: clinical testing. Allele origin: germline.
Comment: This sequence change creates a premature translational stop signal (p.Ile257Hisfs*37) in the PURA gene. While this is not anticipated to result in nonsense mediated decay, it is expected to disrupt the last 66 amino acid(s) of the PURA protein. This variant is not present in population databases (gnomAD no frequency). This premature translational stop signal has been observed in individual(s) with PURA-related conditions (PMID: 27148565). This variant disrupts a region of the PURA protein in which other variant(s) (p.Thr310Asnfs*7) have been determined to be pathogenic (internal data). This suggests that this is a clinically significant region of the protein, and that variants that disrupt it are likely to be disease-causing. For these reasons, this variant has been classified as Pathogenic.

Literature cited by the submitters: PubMed 27148565.